The following is an entry in ClinVar:

ClinVar aggregate classification (germline): Likely benign. Review status: criteria provided, single submitter (1 of 4 stars). 2 submissions from 2 submitters: Likely benign (1). 1 of the submissions does not count toward it. Last evaluated 2018-07-06.

Conditions:
PRR12-related disorder. Also called: PRR12-related condition.

Allele frequency attached by ClinVar (database versions not stated): ExAC 0.00012; gnomAD exomes 0.00015; gnomAD 0.00017 and 0.00018; TOPMed 0.00019.

Submissions (2):

Labcorp Genetics (formerly Invitae), Labcorp
Classification: Likely benign. Last evaluated: 2018-07-06. Review status: criteria provided, single submitter. Criteria: Invitae Variant Classification Sherloc (09022015). Collection method: clinical testing. Allele origin: germline.

PreventionGenetics, part of Exact Sciences
Classification: Likely benign for PRR12-related condition. Last evaluated: 2024-02-12. Review status: no assertion criteria provided. Collection method: clinical testing. Allele origin: germline. Not counted in ClinVar's aggregate classification.
Comment: This variant is classified as likely benign based on ACMG/AMP sequence variant interpretation guidelines (Richards et al. 2015 PMID: 25741868, with internal and published modifications).

NM_020719.3(PRR12):c.2394C>T (p.Pro798=)

Gene: PRR12 (proline rich 12; plus strand). Cytogenetic location: 19q13.33.
Variant type: single nucleotide variant.
Coding change: c.2394C>T on transcript NM_020719.3 (MANE Select); coding-DNA position 2394, C replaced by T.
Protein change: p.Pro798=; no amino-acid change (proline 798 retained).
Molecular consequence: synonymous variant.
Genome position (GRCh38, 1-based): chr19:49,596,729, C>T. VCF-style: chr19-49596729-C-T. GRCh37 (hg19) VCF-style: chr19-50099986-C-T.
Identifiers: ClinVar variation 756541 (VCV000756541.5), dbSNP rs758817354, ClinGen allele CA9578093.